The following is an entry in ClinVar:

NM_001372.4(DNAH9):c.12130G>T (p.Glu4044Ter)

Gene: DNAH9 (dynein axonemal heavy chain 9; plus strand). Cytogenetic location: 17p12.
Variant type: single nucleotide variant.
Coding change: c.12130G>T on transcript NM_001372.4 (MANE Select); coding-DNA position 12130, G replaced by T.
Protein change: p.Glu4044Ter; replaces glutamic acid 4044 with a stop codon.
Molecular consequence: nonsense.
Genome position (GRCh38, 1-based): chr17:11,932,038, G>T. VCF-style: chr17-11932038-G-T. GRCh37 (hg19) VCF-style: chr17-11835355-G-T.
Other names: c.1066G>T, p.Glu356Ter (NM_004662.2); short protein forms E356*, E4044*.
Identifiers: ClinVar variation 2824384 (VCV002824384.3), dbSNP rs2544896839, ClinGen allele CA398212881.

ClinVar aggregate classification (germline): Pathogenic (1 of 4 stars; one submission).

Submission:

Labcorp Genetics (formerly Invitae), Labcorp
Classification: Pathogenic. Last evaluated: 2023-01-26. Review status: criteria provided, single submitter. Criteria: Invitae Variant Classification Sherloc (09022015). Collection method: clinical testing. Allele origin: germline.
Comment: This sequence change creates a premature translational stop signal (p.Glu4044*) in the DNAH9 gene. It is expected to result in an absent or disrupted protein product. Loss-of-function variants in DNAH9 are known to be pathogenic (PMID: 30471718). This variant is not present in population databases (gnomAD no frequency). This variant has not been reported in the literature in individuals affected with DNAH9-related conditions. For these reasons, this variant has been classified as Pathogenic.

Literature cited by the submitters: PubMed 30471718.